The following is an entry in ClinVar:

NM_015272.5(RPGRIP1L):c.821A>T (p.Gln274Leu)

Gene: RPGRIP1L (RPGRIP1 like; minus strand). Cytogenetic location: 16q12.2.
Variant type: single nucleotide variant.
Coding change: c.821A>T on transcript NM_015272.5 (MANE Select); coding-DNA position 821, A replaced by T.
Protein change: p.Gln274Leu; replaces glutamine 274 with leucine.
Molecular consequence: missense variant.
Genome position (GRCh38, 1-based): chr16:53,675,078, T>A on the plus strand (A>T on the coding strand, the complement: RPGRIP1L is on the minus strand). VCF-style: chr16-53675078-T-A. GRCh37 (hg19) VCF-style: chr16-53708990-T-A.
Other names: c.821A>T (NM_015272.2, NM_015272.4); c.821A>T, p.Gln274Leu (NM_001127897.4, NM_001308334.3, NM_001330538.2); short protein forms Q274L.
Identifiers: ClinVar variation 1013955 (VCV001013955.7), dbSNP rs141574764, ClinGen allele CA8058007.
Genomic context (GRCh38, chr16:53,675,078, plus strand): 5'-TCTTGAAGCTGAATAAATTTTCCTTCCATTGCTGAAAGAGCATTGCTTTTCTCTACTAGC[T>A]GTTTATGAAGCTTAATCATTTCTACATTGTCCCGAATATTTGACCTTCAGAGTTGTGTTT-3'
Protein context (NP_056087.2, residues 264-284): DNVEMIKLHK[Gln274Leu]LVEKSNALSA

ClinVar aggregate classification (germline): Uncertain significance. Review status: criteria provided, multiple submitters, no conflicts (2 of 4 stars). 5 submissions from 5 submitters: Uncertain significance (3). 2 of the submissions do not count toward it. Last evaluated 2025-06-06.

Conditions:
Joubert syndrome 7 (JBTS7). Identifiers: Orphanet 220497, MedGen C1969053, MONDO:0012694, OMIM 611560.
Meckel syndrome, type 5 (MKS5). Identifiers: Orphanet 564, MedGen C1969052, MONDO:0012695, OMIM 611561.
COACH syndrome 3. Identifiers: MedGen C5436841, MONDO:0030862, OMIM 619113.
Inborn genetic diseases. Identifiers: MedGen C0950123, MeSH D030342.
Joubert syndrome. Also called: JOUBERT-BOLTSHAUSER SYNDROME; Familial aplasia of the vermis. Identifiers: Orphanet 475, MedGen C5979921, MONDO:0018772.
RPGRIP1L-related disorder. Also called: RPGRIP1L-related disorders; RPGRIP1L-related condition. Identifiers: MedGen CN239416.
Meckel-Gruber syndrome. Also called: Dysencephalia splachnocystica; DYSENCEPHALIA SPLANCHNOCYSTICA; GRUBER SYNDROME. Identifiers: Orphanet 564, MedGen C0265215, MONDO:0018921.

Allele frequency attached by ClinVar (database versions not stated): gnomAD 0.00003 and 0.00005; gnomAD exomes 0.00004 and 0.00011; TOPMed 0.00005; ExAC 0.00007; ESP Exome Variant Server 0.00015.
gnomAD v4.1: 164 of 1,611,820 alleles (0.01%); highest among the groups gnomAD compares: Non-Finnish European, 0.014%; no homozygotes.

Submissions (5):

Ambry Genetics
Classification: Uncertain significance for Inborn genetic diseases. Last evaluated: 2025-06-06. Review status: criteria provided, single submitter. Criteria: Ambry Variant Classification Scheme 2023. Collection method: clinical testing. Allele origin: germline.

Labcorp Genetics (formerly Invitae), Labcorp
Classification: Uncertain significance for Joubert syndrome; Meckel-Gruber syndrome. Last evaluated: 2022-10-24. Review status: criteria provided, single submitter. Criteria: Invitae Variant Classification Sherloc (09022015). Collection method: clinical testing. Allele origin: germline.
Comment: This sequence change replaces glutamine, which is neutral and polar, with leucine, which is neutral and non-polar, at codon 274 of the RPGRIP1L protein (p.Gln274Leu). This variant is present in population databases (rs141574764, gnomAD 0.007%). This variant has not been reported in the literature in individuals affected with RPGRIP1L-related conditions. ClinVar contains an entry for this variant (Variation ID: 1013955). Advanced modeling of protein sequence and biophysical properties (such as structural, functional, and spatial information, amino acid conservation, physicochemical variation, residue mobility, and thermodynamic stability) performed at Invitae indicates that this missense variant is not expected to disrupt RPGRIP1L protein function. In summary, the available evidence is currently insufficient to determine the role of this variant in disease. Therefore, it has been classified as a Variant of Uncertain Significance.

Fulgent Genetics
Classification: Uncertain significance for Joubert syndrome 7; Meckel syndrome, type 5; COACH syndrome 3. Last evaluated: 2022-05-17. Review status: criteria provided, single submitter. Criteria: ACMG Guidelines, 2015. Collection method: clinical testing. Allele origin: unknown.

PreventionGenetics, part of Exact Sciences
Classification: Uncertain significance for RPGRIP1L-related condition. Last evaluated: 2024-08-26. Review status: no assertion criteria provided. Collection method: clinical testing. Allele origin: germline. Not counted in ClinVar's aggregate classification.
Comment: The RPGRIP1L c.821A>T variant is predicted to result in the amino acid substitution p.Gln274Leu. To our knowledge, this variant has not been reported in the literature. This variant is reported in 0.0078% of alleles in individuals of European (non-Finnish) descent in gnomAD. At this time, the clinical significance of this variant is uncertain due to the absence of conclusive functional and genetic evidence.

Natera, Inc.
Classification: Uncertain significance for Joubert syndrome. Last evaluated: 2021-01-22. Review status: no assertion criteria provided. Collection method: clinical testing. Allele origin: germline. Not counted in ClinVar's aggregate classification.